The following is an entry in ClinVar:

NM_014780.5(CUL7):c.3849G>T (p.Trp1283Cys)

Gene: CUL7 (cullin 7; minus strand). Cytogenetic location: 6p21.1.
Variant type: single nucleotide variant.
Coding change: c.3849G>T on transcript NM_014780.5 (MANE Select); coding-DNA position 3849, G replaced by T.
Protein change: p.Trp1283Cys; replaces tryptophan 1283 with cysteine.
Molecular consequence: missense variant.
Genome position (GRCh38, 1-based): chr6:43,040,704, C>A on the plus strand (G>T on the coding strand, the complement: CUL7 is on the minus strand). VCF-style: chr6-43040704-C-A. GRCh37 (hg19) VCF-style: chr6-43008442-C-A.
Other names: c.3945G>T, p.Trp1315Cys (NM_001168370.2, NM_001374872.1); c.3849G>T, p.Trp1283Cys (NM_001374873.1); c.3846G>T, p.Trp1282Cys (NM_001374874.1); short protein forms W1283C, W1315C, W1282C.
Identifiers: ClinVar variation 1359665 (VCV001359665.6), dbSNP rs865978233, ClinGen allele CA364198192.
Genomic context (GRCh38, chr6:43,040,704, plus strand): 5'-CTGCTGGGGGAGGCGGTTGGGGAAGCAGGGACCGATCTGCTCCAGCACGGCCCCCTCCAG[C>A]CAGCTCGAGACCACGCCCAGGAGACGGTCCGCCATGTAGTGCCTGCAGTGCATGCAGCCC-3'
Protein context (NP_055595.2, residues 1273-1293): ADRLLGVVSS[Trp1283Cys]LEGAVLEQIG

ClinVar aggregate classification (germline): Uncertain significance (1 of 4 stars; one submission).

Submission:

Labcorp Genetics (formerly Invitae), Labcorp
Classification: Uncertain significance. Last evaluated: 2021-11-03. Review status: criteria provided, single submitter. Criteria: Invitae Variant Classification Sherloc (09022015). Collection method: clinical testing. Allele origin: germline.
Comment: In summary, the available evidence is currently insufficient to determine the role of this variant in disease. Therefore, it has been classified as a Variant of Uncertain Significance. Algorithms developed to predict the effect of missense changes on protein structure and function (SIFT, PolyPhen-2, Align-GVGD) all suggest that this variant is likely to be disruptive. This variant has not been reported in the literature in individuals affected with CUL7-related conditions. This variant is not present in population databases (gnomAD no frequency). This sequence change replaces tryptophan, which is neutral and slightly polar, with cysteine, which is neutral and slightly polar, at codon 1283 of the CUL7 protein (p.Trp1283Cys).